The following is an entry in ClinVar:

ClinVar aggregate classification (germline): Uncertain significance (1 of 4 stars; one submission).

Conditions:
Neurofibromatosis, type 1 (NF1). Also called: Neurofibromatosis, type I; NEUROFIBROMATOSIS, TYPE I, SOMATIC; Peripheral type neurofibromatosis; VON RECKLINGHAUSEN DISEASE. Identifiers: Orphanet 636, MedGen C0027831, MONDO:0018975, OMIM 162200. Disease mechanism: loss of function.

Submission:

Labcorp Genetics (formerly Invitae), Labcorp
Classification: Uncertain significance for Neurofibromatosis, type 1. Last evaluated: 2023-06-16. Review status: criteria provided, single submitter. Criteria: Invitae Variant Classification Sherloc (09022015). Collection method: clinical testing. Allele origin: germline.
Comment: This variant is not present in population databases (gnomAD no frequency). In summary, the available evidence is currently insufficient to determine the role of this variant in disease. Therefore, it has been classified as a Variant of Uncertain Significance. Advanced modeling of protein sequence and biophysical properties (such as structural, functional, and spatial information, amino acid conservation, physicochemical variation, residue mobility, and thermodynamic stability) performed at Invitae indicates that this missense variant is expected to disrupt NF1 protein function. This variant has not been reported in the literature in individuals affected with NF1-related conditions. This sequence change replaces valine, which is neutral and non-polar, with leucine, which is neutral and non-polar, at codon 411 of the NF1 protein (p.Val411Leu).

NM_001042492.3(NF1):c.1231G>C (p.Val411Leu)

Gene: NF1 (neurofibromin 1; plus strand). Cytogenetic location: 17q11.2.
Variant type: single nucleotide variant.
Coding change: c.1231G>C on transcript NM_001042492.3 (MANE Select); coding-DNA position 1231, G replaced by C.
Protein change: p.Val411Leu; replaces valine 411 with leucine.
Molecular consequence: missense variant.
Genome position (GRCh38, 1-based): chr17:31,201,456, G>C. VCF-style: chr17-31201456-G-C. GRCh37 (hg19) VCF-style: chr17-29528474-G-C.
Other names: c.1231G>C, p.Val411Leu (NM_000267.4, NM_001128147.3); short protein forms V411L.
Identifiers: ClinVar variation 2717121 (VCV002717121.3), dbSNP rs199703072, ClinGen allele CA398997635.